The following is an entry in ClinVar:

NM_020937.4(FANCM):c.538del (p.Ile180fs)

Gene: FANCM (FA complementation group M; plus strand). Cytogenetic location: 14q21.2.
Variant type: Deletion.
Coding change: c.538del on transcript NM_020937.4 (MANE Select); coding-DNA position 538, one base deleted (A; older notation c.538delA).
Protein change: p.Ile180fs; shifts the reading frame from isoleucine 180.
Molecular consequence: frameshift variant.
Genome position (GRCh38, 1-based): chr14:45,137,098, A deleted; the last of 3 consecutive A bases (chr14:45,137,096-45,137,098); deleting any one gives the same sequence. VCF-style (leftmost placement, unchanged base first): chr14-45137095-GA-G. GRCh37 (hg19) VCF-style: chr14-45606298-GA-G.
Other names: c.538del, p.Ile180fs (NM_001308133.2, NM_001308134.2); short protein forms I180fs.
Identifiers: ClinVar variation 1071876 (VCV001071876.7), dbSNP rs2139106358, ClinGen allele CA2499222626.

ClinVar aggregate classification (germline): Pathogenic (1 of 4 stars; one submission).

Conditions:
Fanconi anemia (FA). Also called: Fanconi's anemia. Identifiers: Orphanet 84, MedGen C0015625, MeSH D005199, MONDO:0019391.

Submission:

Labcorp Genetics (formerly Invitae), Labcorp
Classification: Pathogenic for Fanconi anemia. Last evaluated: 2021-01-15. Review status: criteria provided, single submitter. Criteria: Invitae Variant Classification Sherloc (09022015). Collection method: clinical testing. Allele origin: germline.
Comment: This sequence change creates a premature translational stop signal (p.Ile180Tyrfs*16) in the FANCM gene. It is expected to result in an absent or disrupted protein product. This variant is not present in population databases (ExAC no frequency). This variant has not been reported in the literature in individuals with FANCM-related conditions. Loss-of-function variants in FANCM are known to be pathogenic (PMID: 29895858, 30075111). For these reasons, this variant has been classified as Pathogenic.

Literature cited by the submitters: PubMed 29895858; PubMed 30075111.